The following is an entry in ClinVar:

NM_001282225.2(ADA2):c.1278dup (p.Ala427fs)

Gene: ADA2 (adenosine deaminase 2; minus strand). Cytogenetic location: 22q11.1.
Variant type: Duplication.
Coding change: c.1278dup on transcript NM_001282225.2 (MANE Select); coding-DNA position 1278, one base duplicated (A; older notation c.1278dupA).
Protein change: p.Ala427fs; shifts the reading frame from alanine 427.
Molecular consequence: frameshift variant.
Genome position (GRCh38, 1-based): chr22:17,181,984, T duplicated on the plus strand (A on the coding strand, the reverse complement: ADA2 is on the minus strand). VCF-style (leftmost placement, unchanged base first): chr22-17181983-C-CT. GRCh37 (hg19) VCF-style: chr22-17662873-C-CT.
Other names: c.1278dup, p.Ala427fs (NM_001282226.2); c.1152dup, p.Ala385fs (NM_001282227.2, NM_001282228.2); c.918dup, p.Ala307fs (NM_001282229.2); c.555dup, p.Ala186fs (NM_177405.3); short protein forms A186fs, A307fs, A385fs, A427fs.
Identifiers: ClinVar variation 3341408 (VCV003341408.1).

ClinVar aggregate classification (germline): Likely pathogenic (1 of 4 stars; one submission).

Conditions:
Deficiency of adenosine deaminase 2. Also called: Adenosine Deaminase 2 Deficiency; VASCULITIS, AUTOINFLAMMATION, IMMUNODEFICIENCY, AND HEMATOLOGIC DEFECTS SYNDROME; Polyarteritis nodosa, childhoood-onset. Identifiers: Orphanet 404553, MedGen C3887654, MONDO:0014306, OMIM 615688, MONDO:0100317.

Submission:

Neuberg Centre For Genomic Medicine, NCGM
Classification: Likely pathogenic for Deficiency of adenosine deaminase 2. Last evaluated: 2023-05-20. Review status: criteria provided, single submitter. Criteria: ACMG Guidelines, 2015. Collection method: clinical testing. Allele origin: germline. Inheritance: Autosomal recessive inheritance. Affected: yes.
Comment: The frameshift c.1278dup (p.Ala427SerfsTer15) variant in the ADA2 gene has not been reported previously as a pathogenic variant nor as a benign variant, to our knowledge. The variant is absent in gnomAD Exomes. This variant causes a frameshift starting with codon Alanine 427, changes this amino acid to Serine residue, and creates a premature Stop codon at position 15 of the new reading frame, denoted p.Ala427SerfsTer15. This variant is predicted to cause loss of normal protein function through protein truncation. Loss of function variants have been previously reported to be disease causing. Further studies are required to prove the pathogenicity of the variant. For these reasons, this variant has been classified as Likely Pathogenic.